The following is an entry in ClinVar:

ClinVar aggregate classification (germline): Likely pathogenic. Review status: criteria provided, multiple submitters, no conflicts (2 of 4 stars). 2 submissions from 2 submitters: Likely pathogenic (2). Last evaluated 2023-08-10.

Conditions:
TUBB3-related disorder. Also called: TUBB3-related disorders; TUBB3-related condition.

Submissions (2):

Blueprint Genetics
Classification: Likely pathogenic for TUBB3-related disorders. Last evaluated: 2023-08-10. Review status: criteria provided, single submitter. Criteria: ACMG Guidelines, 2015. Collection method: clinical testing. Allele origin: germline. Affected: yes. Observed: 2 variant alleles.

GeneDx
Classification: Likely pathogenic. Last evaluated: 2016-12-16. Review status: criteria provided, single submitter. Criteria: GeneDx Variant Classification (06012015). Collection method: clinical testing. Allele origin: germline. Affected: yes.
Comment: A novel E205A variant that is likely pathogenic has been identified in the TUBB3 gene. The E205A variant has not been published as a pathogenic variant, nor has it been reported as a benign variant to our knowledge. However, a different missense variant in the same residue (E205K) has been reported multiple times in association with TUBB3-related disorders (Poirier et al., 2010). The E205A variant is not observed in large population cohorts (Lek et al., 2016; 1000 Genomes Consortium et al., 2015; Exome Variant Server). The E205A variant is a non-conservative amino acid substitution, which is likely to impact secondary protein structure as these residues differ in polarity, charge, size and/or other properties. This substitution occurs at a position that is conserved across species, and in silico analysis predicts this variant is probably damaging to the protein structure/function. Therefore, this variant is likely pathogenic; however, the possibility that it is benign cannot be excluded.

NM_006086.4(TUBB3):c.614A>C (p.Glu205Ala)

Gene: TUBB3 (tubulin beta 3 class III; plus strand). Cytogenetic location: 16q24.3.
Variant type: single nucleotide variant.
Coding change: c.614A>C on transcript NM_006086.4 (MANE Select); coding-DNA position 614, A replaced by C.
Protein change: p.Glu205Ala; replaces glutamic acid 205 with alanine.
Molecular consequence: missense variant.
Genome position (GRCh38, 1-based): chr16:89,935,065, A>C. VCF-style: chr16-89935065-A-C. GRCh37 (hg19) VCF-style: chr16-90001473-A-C.
Other names: c.398A>C, p.Glu133Ala (NM_001197181.2); short protein forms E133A, E205A.
Identifiers: ClinVar variation 373761 (VCV000373761.2), dbSNP rs1057518593, ClinGen allele CA16042959.